The following is an entry in ClinVar:

ClinVar aggregate classification (germline): Uncertain significance (1 of 4 stars; one submission).

Allele frequency attached by ClinVar (database versions not stated): TOPMed 0.00002; gnomAD 0.00004; ESP Exome Variant Server 0.00008.
gnomAD v4.1: 58 of 1,612,034 alleles (0.0036%); highest among the groups gnomAD compares: Middle Eastern, 0.016%; no homozygotes.

Submission:

Labcorp Genetics (formerly Invitae), Labcorp
Classification: Uncertain significance. Last evaluated: 2022-02-10. Review status: criteria provided, single submitter. Criteria: Invitae Variant Classification Sherloc (09022015). Collection method: clinical testing. Allele origin: germline.
Comment: This sequence change replaces proline, which is neutral and non-polar, with serine, which is neutral and polar, at codon 2456 of the CPLANE1 protein (p.Pro2456Ser). This variant is present in population databases (rs370647204, gnomAD 0.005%). This variant has not been reported in the literature in individuals affected with CPLANE1-related conditions. Advanced modeling of protein sequence and biophysical properties (such as structural, functional, and spatial information, amino acid conservation, physicochemical variation, residue mobility, and thermodynamic stability) performed at Invitae indicates that this missense variant is not expected to disrupt CPLANE1 protein function. In summary, the available evidence is currently insufficient to determine the role of this variant in disease. Therefore, it has been classified as a Variant of Uncertain Significance.

NM_001384732.1(CPLANE1):c.7366C>T (p.Pro2456Ser)

Gene: CPLANE1 (ciliogenesis and planar polarity effector complex subunit 1; minus strand). Cytogenetic location: 5p13.2.
Variant type: single nucleotide variant.
Coding change: c.7366C>T on transcript NM_001384732.1 (MANE Select); coding-DNA position 7366, C replaced by T.
Protein change: p.Pro2456Ser; replaces proline 2456 with serine.
Molecular consequence: missense variant.
Genome position (GRCh38, 1-based): chr5:37,167,081, G>A on the plus strand (C>T on the coding strand, the complement: CPLANE1 is on the minus strand). VCF-style: chr5-37167081-G-A. GRCh37 (hg19) VCF-style: chr5-37167183-G-A.
Other names: c.7366C>T, p.Pro2456Ser (NM_023073.4); short protein forms P2456S.
Identifiers: ClinVar variation 2039973 (VCV002039973.1), dbSNP rs370647204, ClinGen allele CA3238085.
Genomic context (GRCh38, chr5:37,167,081, plus strand): 5'-CAAATAAAATTTCACTTAAGCCTTGCCTTTTTTTACTGTCCTTTCCTTGTCTTACTTCAG[G>A]TGGTTCTATTTTGACCTTTAGAAGTTGAAGGTGTCCAGCATCACCTTGTTCAAATAAATT-3'
Protein context (NP_001371661.1, residues 2446-2466): LQLLKVKIEP[Pro2456Ser]EVRQGKDSKK